The following is an entry in ClinVar:

NM_004385.5(VCAN):c.979C>G (p.Arg327Gly)

Gene: VCAN (versican; plus strand). Cytogenetic location: 5q14.3.
Variant type: single nucleotide variant.
Coding change: c.979C>G on transcript NM_004385.5 (MANE Select); coding-DNA position 979, C replaced by G.
Protein change: p.Arg327Gly; replaces arginine 327 with glycine.
Molecular consequence: missense variant.
Genome position (GRCh38, 1-based): chr5:83,512,333, C>G. VCF-style: chr5-83512333-C-G. GRCh37 (hg19) VCF-style: chr5-82808152-C-G.
Other names: c.979C>G, p.Arg327Gly (NM_001126336.3, NM_001164097.2, NM_001164098.2); short protein forms R327G.
Identifiers: ClinVar variation 1934509 (VCV001934509.5), dbSNP rs774306510, ClinGen allele CA3332562.
Genomic context (GRCh38, chr5:83,512,333, plus strand): 5'-CCTGTGACTGTGGCCAGGGCCCAGTGTGGAGGTGGTCTACTTGGGGTGAGAACCCTGTAT[C>G]GTTTTGAGAACCAGACAGGCTTCCCTCCCCCTGATAGCAGATTTGATGCCTACTGCTTTA-3'
Protein context (NP_004376.2, residues 317-337): GGLLGVRTLY[Arg327Gly]FENQTGFPPP

ClinVar aggregate classification (germline): Uncertain significance (1 of 4 stars; one submission).

Allele frequency attached by ClinVar (database versions not stated): TOPMed below 0.00001; gnomAD 0.00001.
gnomAD v4.1: 4 of 1,610,862 alleles (0.00025%); highest among the groups gnomAD compares: African/African-American, 0.004%; no homozygotes.

Submission:

Labcorp Genetics (formerly Invitae), Labcorp
Classification: Uncertain significance. Last evaluated: 2022-02-04. Review status: criteria provided, single submitter. Criteria: Invitae Variant Classification Sherloc (09022015). Collection method: clinical testing. Allele origin: germline.
Comment: In summary, the available evidence is currently insufficient to determine the role of this variant in disease. Therefore, it has been classified as a Variant of Uncertain Significance. Algorithms developed to predict the effect of missense changes on protein structure and function are either unavailable or do not agree on the potential impact of this missense change (SIFT: "Deleterious"; PolyPhen-2: "Probably Damaging"; Align-GVGD: "Class C0"). This variant has not been reported in the literature in individuals affected with VCAN-related conditions. This variant is present in population databases (rs774306510, gnomAD 0.007%). This sequence change replaces arginine, which is basic and polar, with glycine, which is neutral and non-polar, at codon 327 of the VCAN protein (p.Arg327Gly).